The following is an entry in ClinVar:

ClinVar aggregate classification (germline): Likely benign. Review status: criteria provided, multiple submitters, no conflicts (2 of 4 stars). 3 submissions from 3 submitters: Likely benign (2). 1 of the submissions does not count toward it. Last evaluated 2025-12-10.

Conditions:
Autosomal dominant hypocalcemia 1 (HYPOC1). Also called: HYPOCALCEMIA, FAMILIAL. Identifiers: MedGen C3715128, MONDO:0011013, OMIM 601198.
Familial hypocalciuric hypercalcemia (FHH). Also called: Familial benign hypercalcemia. Identifiers: Orphanet 405, MedGen C1809471, MONDO:0018458.
Nephrolithiasis/nephrocalcinosis. Identifiers: MedGen CN580796.

Allele frequency attached by ClinVar (database versions not stated): gnomAD exomes below 0.00001; TOPMed below 0.00001.
gnomAD v4.1: 8 of 1,614,120 alleles (0.0005%); highest among the groups gnomAD compares: Non-Finnish European, 0.00059%; no homozygotes.

Submissions (3):

Labcorp Genetics (formerly Invitae), Labcorp
Classification: Likely benign for Familial hypocalciuric hypercalcemia; Autosomal dominant hypocalcemia 1. Last evaluated: 2025-12-10. Review status: criteria provided, single submitter. Criteria: Invitae Variant Classification Sherloc (09022015). Collection method: clinical testing. Allele origin: germline.

Ambry Genetics
Classification: Likely benign for Nephrolithiasis/nephrocalcinosis. Last evaluated: 2019-10-13. Review status: criteria provided, single submitter. Criteria: Ambry Variant Classification Scheme 2023. Collection method: clinical testing. Allele origin: germline.

Martin Pollak Laboratory,  Beth Israel Deaconess Medical Center
Classification: Uncertain significance. Review status: no assertion criteria provided. Collection method: not provided. Allele origin: unknown. Not counted in ClinVar's aggregate classification.
Comment: Higher UCa2+ group
ClinVar note: Converted during submission from unknown to Uncertain significance.

NM_000388.4(CASR):c.99C>T (p.Ile33=)

Gene: CASR (calcium sensing receptor; plus strand). Cytogenetic location: 3q21.1.
Variant type: single nucleotide variant.
Coding change: c.99C>T on transcript NM_000388.4 (MANE Select); coding-DNA position 99, C replaced by T.
Protein change: p.Ile33=; no amino-acid change (isoleucine 33 retained).
Molecular consequence: synonymous variant.
Genome position (GRCh38, 1-based): chr3:122,254,288, C>T. VCF-style: chr3-122254288-C-T. GRCh37 (hg19) VCF-style: chr3-121973135-C-T.
Other names: c.99C>T, p.Ile33= (NM_001178065.2).
Identifiers: ClinVar variation 64440 (VCV000064440.15), dbSNP rs387907398, ClinGen allele CA216144.